The following is an entry in ClinVar:

ClinVar aggregate classification (germline): Uncertain significance (1 of 4 stars; one submission).

Submission:

GeneDx
Classification: Uncertain significance. Last evaluated: 2019-08-21. Review status: criteria provided, single submitter. Criteria: GeneDx Variant Classification Process June 2021. Collection method: clinical testing. Allele origin: germline. Affected: yes.
Comment: Not observed in large population cohorts (Lek et al., 2016); In silico analysis, which includes protein predictors and evolutionary conservation, supports that this variant does not alter protein structure/function; Has not been previously published as pathogenic or benign to our knowledge

NM_001103146.3(GIGYF2):c.2519T>C (p.Leu840Ser)

Gene: GIGYF2 (GRB10 interacting GYF protein 2; plus strand). Cytogenetic location: 2q37.1.
Variant type: single nucleotide variant.
Coding change: c.2519T>C on transcript NM_001103146.3 (MANE Select); coding-DNA position 2519, T replaced by C.
Protein change: p.Leu840Ser; replaces leucine 840 with serine.
Molecular consequence: missense variant. On other transcripts: non-coding transcript variant (1).
Genome position (GRCh38, 1-based): chr2:232,819,975, T>C. VCF-style: chr2-232819975-T-C. GRCh37 (hg19) VCF-style: chr2-233684685-T-C.
Other names: c.2582T>C, p.Leu861Ser (NM_001103147.2); c.2501T>C, p.Leu834Ser (NM_001103148.2); c.2519T>C, p.Leu840Ser (NM_015575.4); short protein forms L834S, L840S, L861S.
Identifiers: ClinVar variation 1307733 (VCV001307733.2), dbSNP rs2106395236, ClinGen allele CA351023977.